The following is an entry in ClinVar:

NM_005869.4(CWC27):c.1066_1070del (p.Ala356fs)

Gene: CWC27 (CWC27 spliceosome associated cyclophilin; plus strand). Cytogenetic location: 5q12.3.
Variant type: Deletion.
Coding change: c.1066_1070del on transcript NM_005869.4 (MANE Select); coding-DNA positions 1066 to 1070, 5 bases deleted (GCTGT; older notation c.1066_1070delGCTGT).
Protein change: p.Ala356fs; shifts the reading frame from alanine 356.
Molecular consequence: frameshift variant.
Genome position (GRCh38, 1-based): chr5:64,971,726-64,971,730, GCTGT deleted; deleting any 5 consecutive bases within chr5:64,971,724-64,971,730 gives the same sequence; the c. name uses the placement nearest the transcript's 3' end. VCF-style (leftmost placement, unchanged base first): chr5-64971723-GGTGCT-G. GRCh37 (hg19) VCF-style: chr5-64267550-GGTGCT-G.
Other names: c.1066_1070del, p.Ala356fs (NM_001297644.1); short protein forms A356fs.
Identifiers: ClinVar variation 1172712 (VCV001172712.8), dbSNP rs2112442370, ClinGen allele CA2499217879.

ClinVar aggregate classification (germline): Pathogenic. Review status: criteria provided, multiple submitters, no conflicts (2 of 4 stars). 2 submissions from 2 submitters: Pathogenic (2). Last evaluated 2023-12-11.

Conditions:
Metaphyseal chondrodysplasia-retinitis pigmentosa syndrome. Also called: Retinitis pigmentosa with or without skeletal anomalies. Identifiers: Orphanet 166035, MedGen C1855188, MONDO:0009598, OMIM 250410.

Submissions (2):

Labcorp Genetics (formerly Invitae), Labcorp
Classification: Pathogenic. Last evaluated: 2023-12-11. Review status: criteria provided, single submitter. Criteria: Invitae Variant Classification Sherloc (09022015). Collection method: clinical testing. Allele origin: germline.
Comment: This sequence change creates a premature translational stop signal (p.Ala356Cysfs*11) in the CWC27 gene. It is expected to result in an absent or disrupted protein product. Loss-of-function variants in CWC27 are known to be pathogenic (PMID: 28285769). This variant is not present in population databases (gnomAD no frequency). This variant has not been reported in the literature in individuals affected with CWC27-related conditions. ClinVar contains an entry for this variant (Variation ID: 1172712). For these reasons, this variant has been classified as Pathogenic.

DBGen Ocular Genomics
Classification: Pathogenic for Metaphyseal chondrodysplasia-retinitis pigmentosa syndrome. Last evaluated: 2021-05-21. Review status: criteria provided, single submitter. Criteria: ACMG Guidelines, 2015. Collection method: clinical testing. Allele origin: germline. Affected: yes. Observed: 1 variant allele.

Literature cited by the submitters: PubMed 28285769 (cited by Labcorp Genetics (formerly Invitae), Labcorp).